The following is an entry in ClinVar:

ClinVar aggregate classification (germline): Uncertain significance (1 of 4 stars; one submission).

Conditions:
Myofibrillar myopathy 5. Also called: FILAMINOPATHY, AUTOSOMAL DOMINANT; Filaminopathy (type). Identifiers: Orphanet 171445, MedGen C1836050, MONDO:0012289, OMIM 609524.
Distal myopathy with posterior leg and anterior hand involvement. Also called: WILLIAMS DISTAL MYOPATHY. Identifiers: Orphanet 63273, MedGen C3279722, MONDO:0013550, OMIM 614065.
Hypertrophic cardiomyopathy 26. Also called: Cardiomyopathy, familial hypertrophic, 26. Identifiers: Orphanet 75249, MedGen C4310749, MONDO:0014883, OMIM 617047.

Submission:

Labcorp Genetics (formerly Invitae), Labcorp
Classification: Uncertain significance for Distal myopathy with posterior leg and anterior hand involvement; Myofibrillar myopathy 5; Hypertrophic cardiomyopathy 26. Last evaluated: 2025-06-04. Review status: criteria provided, single submitter. Criteria: Invitae Variant Classification Sherloc (09022015). Collection method: clinical testing. Allele origin: germline.
Comment: This sequence change replaces histidine, which is basic and polar, with tyrosine, which is neutral and polar, at codon 2296 of the FLNC protein (p.His2296Tyr). This variant is not present in population databases (gnomAD no frequency). This variant has not been reported in the literature in individuals affected with FLNC-related conditions. Invitae Evidence Modeling of protein sequence and biophysical properties (such as structural, functional, and spatial information, amino acid conservation, physicochemical variation, residue mobility, and thermodynamic stability) indicates that this missense variant is not expected to disrupt FLNC protein function with a negative predictive value of 95%. Algorithms developed to predict the effect of sequence changes on RNA splicing suggest that this variant may create or strengthen a splice site. In summary, the available evidence is currently insufficient to determine the role of this variant in disease. Therefore, it has been classified as a Variant of Uncertain Significance.

NM_001458.5(FLNC):c.6886C>T (p.His2296Tyr)

Genes: FLNC-AS1 (FLNC antisense RNA 1; minus strand), FLNC (filamin C; plus strand). Cytogenetic location: 7q32.1.
Variant type: single nucleotide variant.
Coding change: c.6886C>T on transcript NM_001458.5 (MANE Select); coding-DNA position 6886, C replaced by T.
Protein change: p.His2296Tyr; replaces histidine 2296 with tyrosine.
Molecular consequence: missense variant.
Genome position (GRCh38, 1-based): chr7:128,854,571, C>T. VCF-style: chr7-128854571-C-T. GRCh37 (hg19) VCF-style: chr7-128494625-C-T.
Other names: c.6787C>T, p.His2263Tyr (NM_001127487.2); short protein forms H2263Y, H2296Y.
Identifiers: ClinVar variation 4812354 (VCV004812354.1).
Genomic context (GRCh38, chr7:128,854,571, plus strand): 5'-GTGCGCTTTGTGCCCCAGGAAATGGGGCCCCATACGGTCGCTGTCAAGTACCGTGGCCAG[C>T]ACGTGCCCGGCAGCCCCTTTCAGTTCACTGTGGGGCCGCTGGGTGAAGGTGGTGCCCACA-3'
Protein context (NP_001449.3, residues 2286-2306): HTVAVKYRGQ[His2296Tyr]VPGSPFQFTV